The following is an entry in ClinVar:

ClinVar aggregate classification (germline): Pathogenic (0 of 4 stars; one submission).

Conditions:
SMCHD1-related disorder. Also called: SMCHD1-related condition.

Submission:

PreventionGenetics, part of Exact Sciences
Classification: Pathogenic for SMCHD1-related condition. Last evaluated: 2024-01-17. Review status: no assertion criteria provided. Collection method: clinical testing. Allele origin: germline.
Comment: The SMCHD1 c.2328delT variant is predicted to result in a frameshift and premature protein termination (p.Phe776Leufs*15). To our knowledge, this variant has not been reported in the literature or in a large population database, indicating this variant is rare. Frameshift variants in SMCHD1 are expected to be pathogenic. This variant is interpreted as pathogenic.

NM_015295.3(SMCHD1):c.2328del (p.Phe776fs)

Gene: SMCHD1 (structural maintenance of chromosomes flexible hinge domain containing 1; plus strand). Cytogenetic location: 18p11.32.
Variant type: Deletion.
Coding change: c.2328del on transcript NM_015295.3 (MANE Select); coding-DNA position 2328, one base deleted (T; older notation c.2328delT).
Protein change: p.Phe776fs; shifts the reading frame from phenylalanine 776.
Molecular consequence: frameshift variant.
Genome position (GRCh38, 1-based): chr18:2,718,225, T deleted; the last of 3 consecutive T bases (chr18:2,718,223-2,718,225); deleting any one gives the same sequence. VCF-style (leftmost placement, unchanged base first): chr18-2718222-GT-G. GRCh37 (hg19) VCF-style: chr18-2718220-GT-G.
Other names: short protein forms F776fs.
Identifiers: ClinVar variation 3031797 (VCV003031797.2), dbSNP rs2510061846, ClinGen allele CA2740093958.